The following is an entry in ClinVar:

ClinVar aggregate classification (germline): Uncertain significance (1 of 4 stars; one submission).

Conditions:
Hereditary cancer-predisposing syndrome. Also called: Neoplastic Syndromes, Hereditary; Hereditary Cancer Syndrome; Hereditary neoplastic syndrome; Tumor predisposition. Identifiers: Orphanet 140162, MedGen C0027672, MeSH D009386, MONDO:0015356.

Submission:

Labcorp Genetics (formerly Invitae), Labcorp
Classification: Uncertain significance for Hereditary cancer-predisposing syndrome. Last evaluated: 2023-09-09. Review status: criteria provided, single submitter. Criteria: Invitae Variant Classification Sherloc (09022015). Collection method: clinical testing. Allele origin: germline.
Comment: In summary, the available evidence is currently insufficient to determine the role of this variant in disease. Therefore, it has been classified as a Variant of Uncertain Significance. This variant is not present in population databases (gnomAD no frequency). This variant has not been reported in the literature in individuals affected with RAD50-related conditions. This sequence change replaces lysine, which is basic and polar, with isoleucine, which is neutral and non-polar, at codon 1254 of the RAD50 protein (p.Lys1254Ile). Advanced modeling of protein sequence and biophysical properties (such as structural, functional, and spatial information, amino acid conservation, physicochemical variation, residue mobility, and thermodynamic stability) performed at Invitae indicates that this missense variant is expected to disrupt RAD50 protein function.

NM_005732.4(RAD50):c.3761A>T (p.Lys1254Ile)

Genes: RAD50 (RAD50 double strand break repair protein; plus strand), TH2-LCR (Th2 cytokine locus control region; plus strand), TH2LCRR (T helper type 2 locus control region associated RNA; minus strand). Cytogenetic location: 5q31.1.
Variant type: single nucleotide variant.
Coding change: c.3761A>T on transcript NM_005732.4 (MANE Select); coding-DNA position 3761, A replaced by T.
Protein change: p.Lys1254Ile; replaces lysine 1254 with isoleucine.
Molecular consequence: missense variant.
Genome position (GRCh38, 1-based): chr5:132,642,186, A>T. VCF-style: chr5-132642186-A-T. GRCh37 (hg19) VCF-style: chr5-131977878-A-T.
Other names: short protein forms K1254I.
Identifiers: ClinVar variation 2759294 (VCV002759294.3), dbSNP rs2479439788, ClinGen allele CA360935570.